The following is an entry in ClinVar:

NM_206933.4(USH2A):c.6524G>A (p.Arg2175His)

Gene: USH2A (usherin; minus strand). Cytogenetic location: 1q41.
Variant type: single nucleotide variant.
Coding change: c.6524G>A on transcript NM_206933.4 (MANE Select); coding-DNA position 6524, G replaced by A.
Protein change: p.Arg2175His; replaces arginine 2175 with histidine.
Molecular consequence: missense variant.
Genome position (GRCh38, 1-based): chr1:215,999,020, C>T on the plus strand (G>A on the coding strand, the complement: USH2A is on the minus strand). VCF-style: chr1-215999020-C-T. GRCh37 (hg19) VCF-style: chr1-216172362-C-T.
Other names: short protein forms R2175H.
Identifiers: ClinVar variation 178578 (VCV000178578.20), dbSNP rs140845899, ClinGen allele CA182596.

ClinVar aggregate classification (germline): Likely benign. Review status: criteria provided, multiple submitters, no conflicts (2 of 4 stars). 8 submissions from 7 submitters: Likely benign (8). Last evaluated 2026-01-26.

Conditions:
USH2A-related disorder. Also called: USH2A-related condition; USH2A-related disorders. Identifiers: MedGen CN239332.
Retinal dystrophy. Also called: Inherited retinal dystrophy. Identifiers: Orphanet 71862, MedGen C0854723, MeSH D058499, MONDO:0019118, HP:0000556.
Usher syndrome type 2A. Also called: USHER SYNDROME, TYPE IIA; RETINAL DISEASE IN USHER SYNDROME TYPE IIA, MODIFIER OF. Identifiers: Orphanet 231178, Orphanet 886, MedGen C1848634, MONDO:0010169, OMIM 276901.
Retinitis pigmentosa 39 (RP39). Identifiers: Orphanet 791, MedGen C3151138, MONDO:0013436, OMIM 613809.

Allele frequency attached by ClinVar (database versions not stated): gnomAD 0.00011 and 0.00007; ESP Exome Variant Server 0.00015; TOPMed 0.00017; ExAC 0.00022; gnomAD exomes 0.00028; 1000 Genomes Project 30x 0.00078; 1000 Genomes Project 0.00080.
gnomAD v4.1: 224 of 1,612,296 alleles (0.014%); highest among the groups gnomAD compares: East Asian, 0.21%; no homozygotes.

Submissions (8):

Labcorp Genetics (formerly Invitae), Labcorp
Classification: Likely benign. Last evaluated: 2026-01-26. Review status: criteria provided, single submitter. Criteria: Invitae Variant Classification Sherloc (09022015). Collection method: clinical testing. Allele origin: germline.

PreventionGenetics, part of Exact Sciences
Classification: Likely benign for USH2A-related condition. Last evaluated: 2024-11-21. Review status: criteria provided, single submitter. Criteria: ACMG Guidelines, 2015. Collection method: clinical testing. Allele origin: germline.
Comment: This variant is classified as likely benign based on ACMG/AMP sequence variant interpretation guidelines (Richards et al. 2015 PMID: 25741868, with internal and published modifications).

Blueprint Genetics
Classification: Likely benign. Last evaluated: 2024-09-04. Review status: criteria provided, single submitter. Criteria: ACMG Guidelines, 2015. Collection method: clinical testing. Allele origin: germline.

Genome-Nilou Lab
Classification: Likely benign for Retinitis pigmentosa 39. Last evaluated: 2023-11-04. Review status: criteria provided, single submitter. Criteria: ACMG Guidelines, 2015. Collection method: clinical testing. Allele origin: germline. Affected: no.

Genome-Nilou Lab
Classification: Likely benign for Usher syndrome type 2A. Last evaluated: 2023-11-04. Review status: criteria provided, single submitter. Criteria: ACMG Guidelines, 2015. Collection method: clinical testing. Allele origin: germline. Affected: no.

Dept Of Ophthalmology, Nagoya University
Classification: Likely benign for Retinal dystrophy. Last evaluated: 2023-10-01. Review status: criteria provided, single submitter. Criteria: Submitter's publication. Collection method: research. Allele origin: germline. Affected: yes.

Laboratory for Molecular Medicine, Mass General Brigham Personalized Medicine
Classification: Likely benign. Last evaluated: 2014-08-12. Review status: criteria provided, single submitter. Criteria: LMM Criteria. Collection method: clinical testing. Allele origin: germline. Observed: 2 variant alleles.
Comment: p.Arg2175His in exon 34 of USH2A: This variant is not expected to have clinical significance due to a lack of conservation across species, including mammals. Of note, 5 mammals (prairie vole, Chinese hamster, naked mole rat, guinea pig, and chinchilla) have a histidine (His) at this position despite high nearby amino a cid conservation. This variant has been identified in 0.26% (22/8612) of East As ian chromosomes by the Exome Aggregation Consortium (ExAC; dbSNP rs140845899).

Breakthrough Genomics
Classification: Likely benign. Review status: criteria provided, single submitter. Criteria: ACMG Guidelines, 2015. Collection method: not provided. Allele origin: germline. Inheritance: Autosomal recessive inheritance. Affected: yes.